The following is an entry in ClinVar:

ClinVar aggregate classification (germline): Uncertain significance (1 of 4 stars; one submission).

gnomAD v4.1: 46 of 1,614,040 alleles (0.0028%); highest among the groups gnomAD compares: Non-Finnish European, 0.0039%; no homozygotes.

Submission:

Labcorp Genetics (formerly Invitae), Labcorp
Classification: Uncertain significance. Last evaluated: 2026-01-21. Review status: criteria provided, single submitter. Criteria: Invitae Variant Classification Sherloc (09022015). Collection method: clinical testing. Allele origin: germline.
Comment: This sequence change replaces methionine, which is neutral and non-polar, with valine, which is neutral and non-polar, at codon 897 of the SPTB protein (p.Met897Val). This variant is present in population databases (rs376848372, gnomAD 0.003%). This variant has not been reported in the literature in individuals affected with SPTB-related conditions. An algorithm developed to predict the effect of missense changes on protein structure and function (PolyPhen-2) suggests that this variant is likely to be tolerated. In summary, the available evidence is currently insufficient to determine the role of this variant in disease. Therefore, it has been classified as a Variant of Uncertain Significance.

NM_001355436.2(SPTB):c.2689A>G (p.Met897Val)

Gene: SPTB (spectrin beta, erythrocytic; minus strand). Cytogenetic location: 14q23.3.
Variant type: single nucleotide variant.
Coding change: c.2689A>G on transcript NM_001355436.2 (MANE Select); coding-DNA position 2689, A replaced by G.
Protein change: p.Met897Val; replaces methionine 897 with valine.
Molecular consequence: missense variant.
Genome position (GRCh38, 1-based): chr14:64,791,834, T>C on the plus strand (A>G on the coding strand, the complement: SPTB is on the minus strand). VCF-style: chr14-64791834-T-C. GRCh37 (hg19) VCF-style: chr14-65258552-T-C.
Other names: c.2689A>G, p.Met897Val (NM_001024858.4, NM_001355437.2); short protein forms M897V.
Identifiers: ClinVar variation 4709216 (VCV004709216.1).